The following is an entry in ClinVar:

ClinVar aggregate classification (germline): Uncertain significance. Review status: criteria provided, multiple submitters, no conflicts (2 of 4 stars). 2 submissions from 2 submitters: Uncertain significance (2). Last evaluated 2025-04-17.

Allele frequency attached by ClinVar (database versions not stated): ExAC 0.00003; ESP Exome Variant Server 0.00008.
gnomAD v4.1: 24 of 1,588,910 alleles (0.0015%); highest among the groups gnomAD compares: African/African-American, 0.026%; no homozygotes.

Submissions (2):

Labcorp Genetics (formerly Invitae), Labcorp
Classification: Uncertain significance. Last evaluated: 2025-04-17. Review status: criteria provided, single submitter. Criteria: Invitae Variant Classification Sherloc (09022015). Collection method: clinical testing. Allele origin: germline.
Comment: This sequence change replaces valine, which is neutral and non-polar, with isoleucine, which is neutral and non-polar, at codon 544 of the IL6ST protein (p.Val544Ile). This variant is present in population databases (rs375131282, gnomAD 0.02%). This variant has not been reported in the literature in individuals affected with IL6ST-related conditions. ClinVar contains an entry for this variant (Variation ID: 1463799). An algorithm developed to predict the effect of missense changes on protein structure and function outputs the following: PolyPhen-2: "Benign". The isoleucine amino acid residue is found in multiple mammalian species, which suggests that this missense change does not adversely affect protein function. In summary, the available evidence is currently insufficient to determine the role of this variant in disease. Therefore, it has been classified as a Variant of Uncertain Significance.

Ambry Genetics
Classification: Uncertain significance. Last evaluated: 2025-04-11. Review status: criteria provided, single submitter. Criteria: Ambry Variant Classification Scheme 2023. Collection method: clinical testing. Allele origin: germline.

NM_002184.4(IL6ST):c.1630G>A (p.Val544Ile)

Gene: IL6ST (interleukin 6 cytokine family signal transducer; minus strand). Cytogenetic location: 5q11.2.
Variant type: single nucleotide variant.
Coding change: c.1630G>A on transcript NM_002184.4 (MANE Select); coding-DNA position 1630, G replaced by A.
Protein change: p.Val544Ile; replaces valine 544 with isoleucine.
Molecular consequence: missense variant. On other transcripts: 3 prime UTR variant (1), non-coding transcript variant (2).
Genome position (GRCh38, 1-based): chr5:55,951,998, C>T on the plus strand (G>A on the coding strand, the complement: IL6ST is on the minus strand). VCF-style: chr5-55951998-C-T. GRCh37 (hg19) VCF-style: chr5-55247826-C-T.
Other names: c.1447G>A, p.Val483Ile (NM_001190981.2); c.1528G>A, p.Val510Ile (NM_001364275.2); c.1420G>A, p.Val474Ile (NM_001364276.2); c.763G>A, p.Val255Ile (NM_001364277.2); c.727G>A, p.Val243Ile (NM_001364278.2); c.634G>A, p.Val212Ile (NM_001364279.2); c.*557G>A (NM_175767.3); c.1630G>A (NM_002184.3); short protein forms V212I, V255I, V483I, V510I, V243I, V474I, V544I.
Identifiers: ClinVar variation 1463799 (VCV001463799.7), dbSNP rs375131282, ClinGen allele CA3271364.